The following is an entry in ClinVar:

ClinVar aggregate classification (germline): Conflicting classifications of pathogenicity. Review status: criteria provided, conflicting classifications (1 of 4 stars). 2 submissions from 2 submitters: Pathogenic (1); Uncertain significance (1). Last evaluated 2025-10-14.

Conditions:
Chopra-Amiel-Gordon syndrome (CAGS). Also called: ANKRD17-Related Neurodevelopmental Syndrome. Identifiers: MedGen C5561975, MONDO:0859186, OMIM 619504.
Hereditary sensory neuropathy-deafness-dementia syndrome. Also called: HSN IE; Hereditary sensory neuropathy type IE; NEUROPATHY, HEREDITARY SENSORY, WITH HEARING LOSS AND DEMENTIA; Hereditary Sensory and Autonomic Neuropathy Type 1E (HSAN1E). Identifiers: Orphanet 456318, MedGen C3279885, MONDO:0013584, OMIM 614116.

Submissions (2):

Institute of Human Genetics, FAU Erlangen, Friedrich-Alexander-Universität Erlangen-Nürnberg
Classification: Pathogenic for Chopra-Amiel-Gordon syndrome. Last evaluated: 2025-10-14. Review status: criteria provided, single submitter. Criteria: Hauer et al. (Genet Med. 2018). Collection method: clinical testing. Allele origin: germline. Inheritance: Autosomal dominant inheritance. Affected: yes. Observed: 1 variant allele.
Comment: This variant has been identified by standard clinical testing. Selected ACMG criteria: Pathogenic (I):PM2;PS2;PVS1

Genomic Medicine Center of Excellence, King Faisal Specialist Hospital and Research Centre
Classification: Uncertain significance for Hereditary sensory neuropathy-deafness-dementia syndrome. Last evaluated: 2025-09-10. Review status: criteria provided, single submitter. Criteria: ACMG Guidelines, 2015. Collection method: clinical testing. Allele origin: germline.

NM_032217.5(ANKRD17):c.5983C>T (p.Arg1995Ter)

Gene: ANKRD17 (ankyrin repeat domain 17; minus strand). Cytogenetic location: 4q13.3.
Variant type: single nucleotide variant.
Coding change: c.5983C>T on transcript NM_032217.5 (MANE Select); coding-DNA position 5983, C replaced by T.
Protein change: p.Arg1995Ter; replaces arginine 1995 with a stop codon.
Molecular consequence: nonsense.
Genome position (GRCh38, 1-based): chr4:73,091,645, G>A on the plus strand (C>T on the coding strand, the complement: ANKRD17 is on the minus strand). VCF-style: chr4-73091645-G-A. GRCh37 (hg19) VCF-style: chr4-73957362-G-A.
Other names: c.5644C>T, p.Arg1882Ter (NM_001286771.3); c.5980C>T, p.Arg1994Ter (NM_015574.2); c.5230C>T, p.Arg1744Ter (NM_198889.3); short protein forms R1744*, R1882*, R1994*, R1995*.
Identifiers: ClinVar variation 4278457 (VCV004278457.2).